The following is an entry in ClinVar:

NM_005219.5(DIAPH1):c.1852C>A (p.Pro618Thr)

Gene: DIAPH1 (diaphanous related formin 1; minus strand). Cytogenetic location: 5q31.3.
Variant type: single nucleotide variant.
Coding change: c.1852C>A on transcript NM_005219.5 (MANE Select); coding-DNA position 1852, C replaced by A.
Protein change: p.Pro618Thr; replaces proline 618 with threonine.
Molecular consequence: missense variant.
Genome position (GRCh38, 1-based): chr5:141,573,998, G>T on the plus strand (C>A on the coding strand, the complement: DIAPH1 is on the minus strand). VCF-style: chr5-141573998-G-T. GRCh37 (hg19) VCF-style: chr5-140953565-G-T.
Other names: c.1825C>A, p.Pro609Thr (NM_001079812.3); c.1852C>A, p.Pro618Thr (NM_001314007.2); short protein forms P609T, P618T.
Identifiers: ClinVar variation 2415957 (VCV002415957.8), dbSNP rs759820677, ClinGen allele CA361520630.

ClinVar aggregate classification (germline): Uncertain significance (1 of 4 stars; one submission).

Conditions:
Progressive microcephaly-seizures-cortical blindness-developmental delay syndrome. Also called: Seizures, cortical blindness, and microcephaly syndrome. Identifiers: Orphanet 477814, MedGen C5567650, MONDO:0014714, OMIM 616632.
Autosomal dominant nonsyndromic hearing loss 1. Also called: KONIGSMARK SYNDROME; DEAFNESS, AUTOSOMAL DOMINANT 1, WITH OR WITHOUT THROMBOCYTOPENIA. Identifiers: Orphanet 90635, MedGen C1852282, MONDO:0007424, OMIM 124900.

gnomAD v4.1: 2 of 1,107,970 alleles (0.00018%); highest among the groups gnomAD compares: Non-Finnish European, 0.00023%; no homozygotes.

Submission:

Labcorp Genetics (formerly Invitae), Labcorp
Classification: Uncertain significance for Progressive microcephaly-seizures-cortical blindness-developmental delay syndrome; Autosomal dominant nonsyndromic hearing loss 1. Last evaluated: 2025-10-20. Review status: criteria provided, single submitter. Criteria: Invitae Variant Classification Sherloc (09022015). Collection method: clinical testing. Allele origin: germline.
Comment: This sequence change replaces proline, which is neutral and non-polar, with threonine, which is neutral and polar, at codon 618 of the DIAPH1 protein (p.Pro618Thr). This variant is not present in population databases (gnomAD no frequency). This variant has not been reported in the literature in individuals affected with DIAPH1-related conditions. ClinVar contains an entry for this variant (Variation ID: 2415957). Experimental studies and prediction algorithms are not available or were not evaluated, and the functional significance of this variant is currently unknown. In summary, the available evidence is currently insufficient to determine the role of this variant in disease. Therefore, it has been classified as a Variant of Uncertain Significance.